The following is an entry in ClinVar:

ClinVar aggregate classification (germline): Uncertain significance (1 of 4 stars; one submission).

Conditions:
Neurofibromatosis, type 1 (NF1). Also called: Peripheral type neurofibromatosis; VON RECKLINGHAUSEN DISEASE; Neurofibromatosis, type I; NEUROFIBROMATOSIS, TYPE I, SOMATIC. Identifiers: Orphanet 636, MedGen C0027831, MONDO:0018975, OMIM 162200. Disease mechanism: loss of function.

Submission:

Labcorp Genetics (formerly Invitae), Labcorp
Classification: Uncertain significance for Neurofibromatosis, type 1. Last evaluated: 2024-04-09. Review status: criteria provided, single submitter. Criteria: Invitae Variant Classification Sherloc (09022015). Collection method: clinical testing. Allele origin: germline.
Comment: This sequence change falls in intron 6 of the NF1 gene. It does not directly change the encoded amino acid sequence of the NF1 protein. This variant is not present in population databases (gnomAD no frequency). This variant has not been reported in the literature in individuals affected with NF1-related conditions. Algorithms developed to predict the effect of sequence changes on RNA splicing suggest that this variant may disrupt the consensus splice site. In summary, the available evidence is currently insufficient to determine the role of this variant in disease. Therefore, it has been classified as a Variant of Uncertain Significance.

NM_001042492.3(NF1):c.655-7T>G

Gene: NF1 (neurofibromin 1; plus strand). Cytogenetic location: 17q11.2.
Variant type: single nucleotide variant.
Coding change: c.655-7T>G on transcript NM_001042492.3 (MANE Select); 7 bases into the intron before coding-DNA position 655, T replaced by G.
Molecular consequence: intron variant.
Genome position (GRCh38, 1-based): chr17:31,181,703, T>G. VCF-style: chr17-31181703-T-G. GRCh37 (hg19) VCF-style: chr17-29508721-T-G.
Other names: c.655-7T>G (NM_000267.4, NM_001128147.3).
Identifiers: ClinVar variation 3649287 (VCV003649287.2).